The following is an entry in ClinVar:

NM_000071.3(CBS):c.1017C>T (p.Ile339=)

Gene: CBS (cystathionine beta-synthase; minus strand). Cytogenetic location: 21q22.3.
Variant type: single nucleotide variant.
Coding change: c.1017C>T on transcript NM_000071.3 (MANE Select); coding-DNA position 1017, C replaced by T.
Protein change: p.Ile339=; no amino-acid change (isoleucine 339 retained).
Molecular consequence: synonymous variant.
Genome position (GRCh38, 1-based): chr21:43,062,333, G>A on the plus strand (C>T on the coding strand, the complement: CBS is on the minus strand). VCF-style: chr21-43062333-G-A. GRCh37 (hg19) VCF-style: chr21-44482443-G-A.
Other names: c.1017C>T, p.Ile339= (NM_001178008.3, NM_001178009.3, NM_001320298.2); c.702C>T, p.Ile234= (NM_001321072.1).
Identifiers: ClinVar variation 897571 (VCV000897571.15), dbSNP rs773933333, ClinGen allele CA321090515.

ClinVar aggregate classification (germline): Conflicting classifications of pathogenicity. Review status: criteria provided, conflicting classifications (1 of 4 stars). 3 submissions from 3 submitters: Uncertain significance (1); Likely benign (1). 1 of the submissions does not count toward it. Last evaluated 2024-04-09.

Conditions:
Classic homocystinuria. Also called: Homocystinuria due to Cystathionine Beta-Synthase Deficiency; HOMOCYSTINURIA WITH OR WITHOUT RESPONSE TO PYRIDOXINE; Homocystinuria due to CBS deficiency; Cystathionine beta-synthase deficiency; CBS deficiency. Identifiers: Orphanet 394, MedGen C0751202, MONDO:0009352, OMIM 236200.
CBS-related disorder. Also called: CBS-related condition.
HYPERHOMOCYSTEINEMIA, THROMBOTIC, CBS-RELATED. Identifiers: MedGen C3150344, OMIM 236200.

Allele frequency attached by ClinVar (database versions not stated): gnomAD exomes below 0.00001; ExAC 0.00001.

Submissions (3):

Labcorp Genetics (formerly Invitae), Labcorp
Classification: Likely benign for HYPERHOMOCYSTEINEMIA, THROMBOTIC, CBS-RELATED. Last evaluated: 2024-04-09. Review status: criteria provided, single submitter. Criteria: Invitae Variant Classification Sherloc (09022015). Collection method: clinical testing. Allele origin: germline.

Illumina Laboratory Services, Illumina
Classification: Uncertain significance for Classic homocystinuria. Last evaluated: 2018-03-30. Review status: criteria provided, single submitter. Criteria: ICSL Variant Classification Criteria 13 December 2019. Collection method: clinical testing. Allele origin: germline.

PreventionGenetics, part of Exact Sciences
Classification: Likely benign for CBS-related condition. Last evaluated: 2023-06-23. Review status: no assertion criteria provided. Collection method: clinical testing. Allele origin: germline. Not counted in ClinVar's aggregate classification.
Comment: This variant is classified as likely benign based on ACMG/AMP sequence variant interpretation guidelines (Richards et al. 2015 PMID: 25741868, with internal and published modifications).